The following is an entry in ClinVar:

NM_001365536.1(SCN9A):c.1980G>A (p.Thr660=)

Genes: SCN1A-AS1 (SCN1A and SCN9A antisense RNA 1; plus strand), SCN9A (sodium voltage-gated channel alpha subunit 9; minus strand). Cytogenetic location: 2q24.3.
Variant type: single nucleotide variant.
Coding change: c.1980G>A on transcript NM_001365536.1 (MANE Select); coding-DNA position 1980, G replaced by A.
Protein change: p.Thr660=; no amino-acid change (threonine 660 retained).
Molecular consequence: synonymous variant.
Genome position (GRCh38, 1-based): chr2:166,281,803, C>T on the plus strand (G>A on the coding strand, the complement: SCN9A is on the minus strand). VCF-style: chr2-166281803-C-T. GRCh37 (hg19) VCF-style: chr2-167138313-C-T.
Other names: c.1947G>A, p.Thr649= (NM_002977.4).
Identifiers: ClinVar variation 331984 (VCV000331984.33), dbSNP rs200014315, ClinGen allele CA1944369.

ClinVar aggregate classification (germline): Conflicting classifications of pathogenicity. Review status: criteria provided, conflicting classifications (1 of 4 stars). 13 submissions from 11 submitters: Uncertain significance (2); Benign (2); Likely benign (7). 2 of the submissions do not count toward it. Last evaluated 2026-04-01.

Conditions:
Primary erythromelalgia. Also called: SCN9A Erythromelalgia (SCN9A-EM); primary erythermalgia. Identifiers: Orphanet 306577, Orphanet 90026, MedGen C0014805, MONDO:0007571, OMIM 133020.
SCN9A-related disorder. Also called: SCN9A-related condition; SCN9A-related disorders.
Neuropathy, hereditary sensory and autonomic, type 2A (HSAN2A). Also called: WNK1-Related HSAN2 (HSAN2A); ACROOSTEOLYSIS, GIACCAI TYPE; ACROOSTEOLYSIS, NEUROGENIC; NEUROPATHY, CONGENITAL SENSORY; NEUROPATHY, HEREDITARY SENSORY RADICULAR, AUTOSOMAL RECESSIVE; NEUROPATHY, HEREDITARY SENSORY, TYPE IIA. Identifiers: Orphanet 970, MedGen C2752089, MONDO:0024309, OMIM 201300.
Generalized epilepsy with febrile seizures plus, type 7 (GEFSP7). Also called: GEFS+, TYPE 7. Identifiers: Orphanet 36387, MedGen C2751778, MONDO:0013470, OMIM 613863.
Paroxysmal extreme pain disorder (PEXPD). Also called: SCN9A Paroxysmal Extreme Pain Disorder (SCN9A-PEPD); PAIN, SUBMANDIBULAR, OCULAR, AND RECTAL, WITH FLUSHING; RECTAL PAIN, FAMILIAL. Identifiers: Orphanet 46348, MedGen C1833661, MONDO:0008179, OMIM 167400.
Inborn genetic diseases. Identifiers: MedGen C0950123, MeSH D030342.
Channelopathy-associated congenital insensitivity to pain, autosomal recessive. Also called: ASYMBOLIA FOR PAIN; CONGENITAL ANALGESIA, AUTOSOMAL RECESSIVE; Insensitivity to pain, channelopathy-associated. Identifiers: Orphanet 88642, Orphanet 970, MedGen C1855739, MONDO:0009459, OMIM 243000.

Allele frequency attached by ClinVar (database versions not stated): gnomAD 0.00023 and 0.00024; TOPMed 0.00024; ESP Exome Variant Server 0.00042.
gnomAD v4.1: 590 of 1,600,620 alleles (0.037%); highest among the groups gnomAD compares: Non-Finnish European, 0.048%; 1 homozygote.

Submissions (13):

CeGaT Center for Human Genetics Tuebingen
Classification: Likely benign. Last evaluated: 2026-04-01. Review status: criteria provided, single submitter. Criteria: CeGaT Center For Human Genetics Tuebingen Variant Classification Criteria Version 2. Collection method: clinical testing. Allele origin: germline. Affected: yes. Observed: 2 variant alleles.
Comment: SCN9A: BP4, BP7

PreventionGenetics, part of Exact Sciences
Classification: Likely benign for SCN9A-related condition. Last evaluated: 2026-01-13. Review status: criteria provided, single submitter. Criteria: ACMG Guidelines, 2015. Collection method: clinical testing. Allele origin: germline.
Comment: This variant is classified as likely benign based on ACMG/AMP sequence variant interpretation guidelines (Richards et al. 2015 PMID: 25741868, with internal and published modifications).

Labcorp Genetics (formerly Invitae), Labcorp
Classification: Likely benign for Neuropathy, hereditary sensory and autonomic, type 2A; Generalized epilepsy with febrile seizures plus, type 7. Last evaluated: 2025-08-10. Review status: criteria provided, single submitter. Criteria: Invitae Variant Classification Sherloc (09022015). Collection method: clinical testing. Allele origin: germline.

Blueprint Genetics
Classification: Likely benign. Last evaluated: 2024-08-30. Review status: criteria provided, single submitter. Criteria: ACMG Guidelines, 2015. Collection method: clinical testing. Allele origin: germline.

ARUP Laboratories, Molecular Genetics and Genomics, ARUP Laboratories
Classification: Likely benign. Last evaluated: 2023-02-28. Review status: criteria provided, single submitter. Criteria: ARUP Molecular Germline Variant Investigation Process 2024. Collection method: clinical testing. Allele origin: germline.

GeneDx
Classification: Likely benign. Last evaluated: 2020-11-21. Review status: criteria provided, single submitter. Criteria: GeneDx Variant Classification Process June 2021. Collection method: clinical testing. Allele origin: germline. Affected: yes.

Ambry Genetics
Classification: Likely benign for Inborn genetic diseases. Last evaluated: 2019-07-11. Review status: criteria provided, single submitter. Criteria: Ambry Variant Classification Scheme 2023. Collection method: clinical testing. Allele origin: germline.

Illumina Laboratory Services, Illumina
Classification: Uncertain significance for Channelopathy-associated congenital insensitivity to pain, autosomal recessive. Last evaluated: 2018-01-13. Review status: criteria provided, single submitter. Criteria: ICSL Variant Classification Criteria 13 December 2019. Collection method: clinical testing. Allele origin: germline.

Illumina Laboratory Services, Illumina
Classification: Benign for Primary erythromelalgia. Last evaluated: 2018-01-13. Review status: criteria provided, single submitter. Criteria: ICSL Variant Classification Criteria 13 December 2019. Collection method: clinical testing. Allele origin: germline.
Comment: This variant was observed in the ICSL laboratory as part of a predisposition screen in an ostensibly healthy population. It had not been previously curated by ICSL or reported in the Human Gene Mutation Database (HGMD: prior to June 1st, 2018), and was therefore a candidate for classification through an automated scoring system. Utilizing variant allele frequency, disease prevalence and penetrance estimates, and inheritance mode, an automated score was calculated to assess if this variant is too frequent to cause the disease. Based on the score and internal cut-off values, a variant classified as benign is not then subjected to further curation. The score for this variant resulted in a classification of benign for this disease.

Illumina Laboratory Services, Illumina
Classification: Benign for Paroxysmal extreme pain disorder. Last evaluated: 2018-01-13. Review status: criteria provided, single submitter. Criteria: ICSL Variant Classification Criteria 13 December 2019. Collection method: clinical testing. Allele origin: germline.
Comment: the same text as in the submission from Illumina Laboratory Services, Illumina above.

Eurofins Ntd Llc (ga)
Classification: Uncertain significance. Last evaluated: 2016-12-15. Review status: criteria provided, single submitter. Criteria: EGL Classification Definitions 2015. Collection method: clinical testing. Allele origin: germline. Observed: 1 variant allele, 1 heterozygote.

Clinical Genetics, Academic Medical Center
Classification: Likely benign. Review status: no assertion criteria provided. Collection method: clinical testing. Allele origin: germline. Affected: yes. Study: VKGL Data-share Consensus. Not counted in ClinVar's aggregate classification.

Joint Genome Diagnostic Labs from Nijmegen and Maastricht, Radboudumc and MUMC+
Classification: Likely benign. Review status: no assertion criteria provided. Collection method: clinical testing. Allele origin: germline. Affected: yes. Study: VKGL Data-share Consensus. Not counted in ClinVar's aggregate classification.